The following is an entry in ClinVar:

ClinVar aggregate classification (germline): Uncertain significance (1 of 4 stars; one submission).

Conditions:
Cardiovascular phenotype. Identifiers: MedGen CN230736.

Allele frequency attached by ClinVar (database versions not stated): gnomAD exomes below 0.00001; TOPMed below 0.00001; gnomAD 0.00001.
gnomAD v4.1: 4 of 1,613,922 alleles (0.00025%); highest among the groups gnomAD compares: Non-Finnish European, 0.00034%; no homozygotes.

Submission:

Ambry Genetics
Classification: Uncertain significance for Cardiovascular phenotype. Last evaluated: 2019-06-05. Review status: criteria provided, single submitter. Criteria: Ambry Variant Classification Scheme 2023. Collection method: clinical testing. Allele origin: germline.
Comment: The c.375-2A>G intronic variant results from an A to G substitution two nucleotides upstream from coding exon 5 in the TXNRD2 gene. This nucleotide position is well conserved in available vertebrate species. Using the BDGP and ESEfinder splice site prediction tools, this alteration is predicted to abolish the native splice acceptor site; however, direct evidence is unavailable. Alterations that disrupt the canonical splice site are expected to cause aberrant splicing, resulting in an abnormal protein or a transcript that is subject to nonsense-mediated mRNA decay. However, loss of function of TXNRD2 has not been clearly established as a mechanism of disease. Since supporting evidence is limited at this time, the clinical significance of this alteration remains unclear.

NM_006440.5(TXNRD2):c.375-2A>G

Gene: TXNRD2 (thioredoxin reductase 2; minus strand). Cytogenetic location: 22q11.21.
Variant type: single nucleotide variant.
Coding change: c.375-2A>G on transcript NM_006440.5 (MANE Select); the canonical splice acceptor site of the intron before coding-DNA position 375, A replaced by G.
Molecular consequence: splice acceptor variant.
Genome position (GRCh38, 1-based): chr22:19,918,219, T>C on the plus strand (A>G on the coding strand, the complement: TXNRD2 is on the minus strand). VCF-style: chr22-19918219-T-C. GRCh37 (hg19) VCF-style: chr22-19905742-T-C.
Other names: c.372-2A>G (NM_001352300.2); c.87-2A>G (NM_001352302.2); c.285-2A>G (NM_001352301.2); c.375-2A>G (NM_001282512.3); c.279-2A>G (NM_001352303.2).
Identifiers: ClinVar variation 1734574 (VCV001734574.2), dbSNP rs775877650, ClinGen allele CA322105493.
Genomic context (GRCh38, chr22:19,918,219, plus strand): 5'-CACGGTGGCCCCAGTTCAAGGATTTCACGTGATTTTGAACAGCTTCTGCCATCTTCCTCC[T>C]GTGAAGATACGAAACAAAATGTAAAATCCACAACACAGGTGTTAGCTGCAGGGCCTCACG-3'